The following is an entry in ClinVar:

ClinVar aggregate classification (germline): Pathogenic/Likely pathogenic. Review status: criteria provided, multiple submitters, no conflicts (2 of 4 stars). 5 submissions from 5 submitters: Pathogenic (2); Likely pathogenic (1). 2 of the submissions do not count toward it. Last evaluated 2026-07-16.

Conditions:
Megalencephaly-polymicrogyria-polydactyly-hydrocephalus syndrome 3 (MPPH3). Identifiers: Orphanet 83473, MedGen C4014742, MONDO:0014408, OMIM 615938.

Allele frequency attached by ClinVar (database versions not stated): gnomAD exomes below 0.00001; gnomAD 0.00001.
gnomAD v4.1: 4 of 1,613,918 alleles (0.00025%); highest among the groups gnomAD compares: African/African-American, 0.0013%; no homozygotes.

Submissions (5):

Institute of Medical Genetics and Applied Genomics, University Hospital Tübingen
Classification: Likely pathogenic for Megalencephaly-polymicrogyria-polydactyly-hydrocephalus syndrome 3. Last evaluated: 2026-07-16. Review status: criteria provided, single submitter. Criteria: ACMG Guidelines, 2015. Collection method: clinical testing. Allele origin: germline. Inheritance: Autosomal dominant inheritance. Affected: yes.

GeneDx
Classification: Pathogenic. Last evaluated: 2024-05-08. Review status: criteria provided, single submitter. Criteria: GeneDx Variant Classification Process June 2021. Collection method: clinical testing. Allele origin: germline. Affected: yes.
Comment: Not observed at significant frequency in large population cohorts (gnomAD); In silico analysis supports that this missense variant has a deleterious effect on protein structure/function; This variant is associated with the following publications: (PMID: 29642246, 24705253, 27854409, 28630439, 33057194, 35982159)

Institute of Human Genetics, University of Leipzig Medical Center
Classification: Pathogenic for Megalencephaly-polymicrogyria-polydactyly-hydrocephalus syndrome 3. Last evaluated: 2018-12-11. Review status: criteria provided, single submitter. Criteria: ACMG Guidelines, 2015. Collection method: clinical testing. Allele origin: germline. Affected: yes. Observed: 1 variant allele.

OMIM
Classification: Pathogenic for MEGALENCEPHALY-POLYMICROGYRIA-POLYDACTYLY-HYDROCEPHALUS SYNDROME 3. Last evaluated: 2014-05-01. Review status: no assertion criteria provided. Collection method: literature only. Allele origin: germline. Not counted in ClinVar's aggregate classification.

GeneReviews
No classification provided. Condition: Megalencephaly-polymicrogyria-polydactyly-hydrocephalus syndrome 3. Review status: no classification provided. Collection method: literature only. Allele origin: germline. Affected: yes. Not counted in ClinVar's aggregate classification.

Literature cited by the submitters: PubMed 24705253 (cited by OMIM); NCBI Bookshelf NBK396098 (cited by GeneReviews).

NM_001759.4(CCND2):c.841C>T (p.Pro281Ser)

Gene: CCND2 (cyclin D2; plus strand). Cytogenetic location: 12p13.32.
Variant type: single nucleotide variant.
Coding change: c.841C>T on transcript NM_001759.4 (MANE Select); coding-DNA position 841, C replaced by T.
Protein change: p.Pro281Ser; replaces proline 281 with serine.
Molecular consequence: missense variant.
Genome position (GRCh38, 1-based): chr12:4,299,980, C>T. VCF-style: chr12-4299980-C-T. GRCh37 (hg19) VCF-style: chr12-4409146-C-T.
Other names: short protein forms P281S.
Identifiers: ClinVar variation 143984 (VCV000143984.6), dbSNP rs587777621, ClinGen allele CA170552.